The following is an entry in ClinVar:

NM_005876.5(SPEG):c.6070G>C (p.Gly2024Arg)

Genes: ASIC4-AS1 (ASIC4 antisense RNA 1; minus strand), SPEG (striated muscle enriched protein kinase; plus strand). Cytogenetic location: 2q35.
Variant type: single nucleotide variant.
Coding change: c.6070G>C on transcript NM_005876.5 (MANE Select); coding-DNA position 6070, G replaced by C.
Protein change: p.Gly2024Arg; replaces glycine 2024 with arginine.
Molecular consequence: missense variant.
Genome position (GRCh38, 1-based): chr2:219,483,533, G>C. VCF-style: chr2-219483533-G-C. GRCh37 (hg19) VCF-style: chr2-220348255-G-C.
Other names: short protein forms G2024R.
Identifiers: ClinVar variation 2335129 (VCV002335129.3), dbSNP rs763534515, ClinGen allele CA2126995.
Genomic context (GRCh38, chr2:219,483,533, plus strand): 5'-AGCCCCAGGCGGGGAGAGCTCCGCAGGGGCAGCTCGGCTGAGAGCGCCCTGCCCCGGGCC[G>C]GGCCGCGGGAGCTGGGCCGGGGCCTGCACAAGGCGGCGTCTGTGGAGCTGCCGCAGCGCC-3'
Protein context (NP_005867.3, residues 2014-2034): SSAESALPRA[Gly2024Arg]PRELGRGLHK

ClinVar aggregate classification (germline): Uncertain significance. Review status: criteria provided, multiple submitters, no conflicts (2 of 4 stars). 2 submissions from 2 submitters: Uncertain significance (2). Last evaluated 2024-01-06.

Conditions:
Inborn genetic diseases. Identifiers: MedGen C0950123, MeSH D030342.

Allele frequency attached by ClinVar (database versions not stated): TOPMed 0.00002; gnomAD 0.00004.
gnomAD v4.1: 29 of 1,403,926 alleles (0.0021%); highest among the groups gnomAD compares: South Asian, 0.013%; no homozygotes.

Submissions (2):

Labcorp Genetics (formerly Invitae), Labcorp
Classification: Uncertain significance. Last evaluated: 2024-01-06. Review status: criteria provided, single submitter. Criteria: Invitae Variant Classification Sherloc (09022015). Collection method: clinical testing. Allele origin: germline.
Comment: This sequence change replaces glycine, which is neutral and non-polar, with arginine, which is basic and polar, at codon 2024 of the SPEG protein (p.Gly2024Arg). This variant is present in population databases (rs763534515, gnomAD 0.009%). This variant has not been reported in the literature in individuals affected with SPEG-related conditions. ClinVar contains an entry for this variant (Variation ID: 2335129). An algorithm developed to predict the effect of missense changes on protein structure and function (PolyPhen-2) suggests that this variant¬†is likely to be tolerated. In summary, the available evidence is currently insufficient to determine the role of this variant in disease. Therefore, it has been classified as a Variant of Uncertain Significance.

Ambry Genetics
Classification: Uncertain significance for Inborn genetic diseases. Last evaluated: 2022-12-15. Review status: criteria provided, single submitter. Criteria: Ambry Variant Classification Scheme 2023. Collection method: clinical testing. Allele origin: germline.